The following is an entry in ClinVar:

NM_001166114.2(PNPLA6):c.3211G>A (p.Asp1071Asn)

Gene: PNPLA6 (patatin like domain 6, lysophospholipase; plus strand). Cytogenetic location: 19p13.2.
Variant type: single nucleotide variant.
Coding change: c.3211G>A on transcript NM_001166114.2 (MANE Select); coding-DNA position 3211, G replaced by A.
Protein change: p.Asp1071Asn; replaces aspartic acid 1071 with asparagine.
Molecular consequence: missense variant.
Genome position (GRCh38, 1-based): chr19:7,556,655, G>A. VCF-style: chr19-7556655-G-A. GRCh37 (hg19) VCF-style: chr19-7621541-G-A.
Other names: p.Asp1033Asn; c.3241G>A, p.Asp1081Asn (NM_001166111.2); c.3016G>A, p.Asp1006Asn (NM_001166112.2); c.3097G>A, p.Asp1033Asn (NM_001166113.1, NM_006702.5); short protein forms D1006N, D1071N, D1081N, D1033N.
Identifiers: ClinVar variation 4542295 (VCV004542295.1).

ClinVar aggregate classification (germline): Uncertain significance (1 of 4 stars; one submission).

gnomAD v4.1: 16 of 1,613,040 alleles (0.00099%); highest among the groups gnomAD compares: Non-Finnish European, 0.0013%; no homozygotes.

Submission:

Mayo Clinic Laboratories, Mayo Clinic
Classification: Uncertain significance. Last evaluated: 2025-04-03. Review status: criteria provided, single submitter. Criteria: ACMG Guidelines, 2015. Collection method: clinical testing. Allele origin: germline. Observed: 1 variant allele.
Comment: PP2, PP3, PM2_supporting

Literature cited by the submitters: PubMed 10816586.